The following is an entry in ClinVar:

ClinVar aggregate classification (germline): Uncertain significance (1 of 4 stars; one submission).

Conditions:
Cardiovascular phenotype. Identifiers: MedGen CN230736.
Hereditary cancer-predisposing syndrome. Also called: Tumor predisposition; Hereditary neoplastic syndrome; Neoplastic Syndromes, Hereditary; Hereditary Cancer Syndrome. Identifiers: Orphanet 140162, MedGen C0027672, MeSH D009386, MONDO:0015356.

Submission:

Ambry Genetics
Classification: Uncertain significance for Cardiovascular phenotype; Hereditary cancer-predisposing syndrome. Last evaluated: 2025-05-12. Review status: criteria provided, single submitter. Criteria: Ambry Variant Classification Scheme 2023. Collection method: clinical testing. Allele origin: germline.
Comment: The p.S745R variant (also known as c.2235C>A), located in coding exon 18 of the NF1 gene, results from a C to A substitution at nucleotide position 2235. The serine at codon 745 is replaced by arginine, an amino acid with dissimilar properties. This amino acid position is conserved. In addition, the in silico prediction for this alteration is inconclusive. Based on the available evidence, the clinical significance of this variant remains unclear.

NM_001042492.3(NF1):c.2235C>A (p.Ser745Arg)

Gene: NF1 (neurofibromin 1; plus strand). Cytogenetic location: 17q11.2.
Variant type: single nucleotide variant.
Coding change: c.2235C>A on transcript NM_001042492.3 (MANE Select); coding-DNA position 2235, C replaced by A.
Protein change: p.Ser745Arg; replaces serine 745 with arginine.
Molecular consequence: missense variant.
Genome position (GRCh38, 1-based): chr17:31,226,668, C>A. VCF-style: chr17-31226668-C-A. GRCh37 (hg19) VCF-style: chr17-29553686-C-A.
Other names: c.2235C>A, p.Ser745Arg (NM_000267.4); short protein forms S745R.
Identifiers: ClinVar variation 4029228 (VCV004029228.1).